The following is an entry in ClinVar:

NM_004700.4(KCNQ4):c.1196T>C (p.Val399Ala)

Gene: KCNQ4 (potassium voltage-gated channel subfamily Q member 4; plus strand). Cytogenetic location: 1p34.2.
Variant type: single nucleotide variant.
Coding change: c.1196T>C on transcript NM_004700.4 (MANE Select); coding-DNA position 1196, T replaced by C.
Protein change: p.Val399Ala; replaces valine 399 with alanine.
Molecular consequence: missense variant. On other transcripts: intron variant (1).
Genome position (GRCh38, 1-based): chr1:40,824,162, T>C. VCF-style: chr1-40824162-T-C. GRCh37 (hg19) VCF-style: chr1-41289834-T-C.
Other names: c.1130+1760T>C (NM_172163.3); short protein forms V399A.
Identifiers: ClinVar variation 3016749 (VCV003016749.3), dbSNP rs370066980, ClinGen allele CA794797.

ClinVar aggregate classification (germline): Uncertain significance (1 of 4 stars; one submission).

Allele frequency attached by ClinVar (database versions not stated): gnomAD 0.00002; gnomAD exomes 0.00002; TOPMed 0.00003; ESP Exome Variant Server 0.00008.

Submission:

Labcorp Genetics (formerly Invitae), Labcorp
Classification: Uncertain significance. Last evaluated: 2023-04-25. Review status: criteria provided, single submitter. Criteria: Invitae Variant Classification Sherloc (09022015). Collection method: clinical testing. Allele origin: germline.
Comment: The frequency data for this variant in the population databases is considered unreliable, as metrics indicate poor data quality at this position in the gnomAD database. In summary, the available evidence is currently insufficient to determine the role of this variant in disease. Therefore, it has been classified as a Variant of Uncertain Significance. Advanced modeling of protein sequence and biophysical properties (such as structural, functional, and spatial information, amino acid conservation, physicochemical variation, residue mobility, and thermodynamic stability) has been performed at Invitae for this missense variant, however the output from this modeling did not meet the statistical confidence thresholds required to predict the impact of this variant on KCNQ4 protein function. This variant has not been reported in the literature in individuals affected with KCNQ4-related conditions. This sequence change replaces valine, which is neutral and non-polar, with alanine, which is neutral and non-polar, at codon 399 of the KCNQ4 protein (p.Val399Ala).